The following is an entry in ClinVar:

NM_013382.7(POMT2):c.1337G>A (p.Gly446Glu)

Gene: POMT2 (protein O-mannosyltransferase 2; minus strand). Cytogenetic location: 14q24.3.
Variant type: single nucleotide variant.
Coding change: c.1337G>A on transcript NM_013382.7 (MANE Select); coding-DNA position 1337, G replaced by A.
Protein change: p.Gly446Glu; replaces glycine 446 with glutamic acid.
Molecular consequence: missense variant.
Genome position (GRCh38, 1-based): chr14:77,285,628, C>T on the plus strand (G>A on the coding strand, the complement: POMT2 is on the minus strand). VCF-style: chr14-77285628-C-T. GRCh37 (hg19) VCF-style: chr14-77751971-C-T.
Other names: c.1337G>A (NM_013382.5); short protein forms G446E.
Identifiers: ClinVar variation 1358122 (VCV001358122.5), dbSNP rs376649599, ClinGen allele CA263823649.
Genomic context (GRCh38, chr14:77,285,628, plus strand): 5'-CGGTTTCCAAATTTCCTGTTTACGACCTCAATCCGCCAGAAATCATTTGAGTCCCCTGTT[C>T]CATTCTGCCATAAAAGCCAAGAAAAAAATACAAAGAAAGTGAGGGGACTTTAGAGAAAAC-3'
Protein context (NP_037514.2, residues 436-456): HYQVTGYGIN[Gly446Glu]TGDSNDFWRI

ClinVar aggregate classification (germline): Uncertain significance. Review status: criteria provided, multiple submitters, no conflicts (2 of 4 stars). 2 submissions from 2 submitters: Uncertain significance (2). Last evaluated 2025-09-29.

Conditions:
Muscular dystrophy-dystroglycanopathy (congenital with brain and eye anomalies), type A2. Also called: MUSCULAR DYSTROPHY-DYSTROGLYCANOPATHY (CONGENITAL WITH BRAIN AND EYE ANOMALIES), TYPE A, 2; WALKER-WARBURG SYNDROME OR MUSCLE-EYE-BRAIN DISEASE, POMT2-RELATED. Identifiers: Orphanet 588, Orphanet 899, MedGen C3150411, MONDO:0013154, OMIM 613150.
Autosomal recessive limb-girdle muscular dystrophy type 2N. Also called: MUSCULAR DYSTROPHY-DYSTROGLYCANOPATHY, LIMB-GIRDLE, POMT2-RELATED; Muscular dystrophy-dystroglycanopathy (limb-girdle), type C, 2. Identifiers: Orphanet 206559, MedGen C3150418, MONDO:0013162, OMIM 613158.
Muscular dystrophy-dystroglycanopathy (congenital with impaired intellectual development), type B, 2. Also called: MUSCULAR DYSTROPHY, CONGENITAL, POMT2-RELATED; Muscular dystrophy-dystroglycanopathy (congenital with intellectual disability), type B2. Identifiers: MedGen C3150416, MONDO:0013160, OMIM 613156.
Inborn genetic diseases. Identifiers: MedGen C0950123, MeSH D030342.

Allele frequency attached by ClinVar (database versions not stated): ESP Exome Variant Server 0.00008; TOPMed 0.00010; gnomAD exomes below 0.00001; gnomAD 0.00013; 1000 Genomes Project 0.00020; 1000 Genomes Project 30x 0.00031.

Submissions (2):

Ambry Genetics
Classification: Uncertain significance for Inborn genetic diseases. Last evaluated: 2025-09-29. Review status: criteria provided, single submitter. Criteria: Ambry Variant Classification Scheme 2023. Collection method: clinical testing. Allele origin: germline.

Labcorp Genetics (formerly Invitae), Labcorp
Classification: Uncertain significance for Muscular dystrophy-dystroglycanopathy (congenital with impaired intellectual development), type B, 2; Muscular dystrophy-dystroglycanopathy (congenital with brain and eye anomalies), type A2; Autosomal recessive limb-girdle muscular dystrophy type 2N. Last evaluated: 2024-10-18. Review status: criteria provided, single submitter. Criteria: Invitae Variant Classification Sherloc (09022015). Collection method: clinical testing. Allele origin: germline.
Comment: This sequence change replaces glycine, which is neutral and non-polar, with glutamic acid, which is acidic and polar, at codon 446 of the POMT2 protein (p.Gly446Glu). This variant is present in population databases (rs376649599, gnomAD 0.06%). This variant has not been reported in the literature in individuals affected with POMT2-related conditions. ClinVar contains an entry for this variant (Variation ID: 1358122). Invitae Evidence Modeling of protein sequence and biophysical properties (such as structural, functional, and spatial information, amino acid conservation, physicochemical variation, residue mobility, and thermodynamic stability) has been performed for this missense variant. However, the output from this modeling did not meet the statistical confidence thresholds required to predict the impact of this variant on POMT2 protein function. In summary, the available evidence is currently insufficient to determine the role of this variant in disease. Therefore, it has been classified as a Variant of Uncertain Significance.